The following is an entry in ClinVar:

ClinVar aggregate classification (germline): Benign/Likely benign. Review status: criteria provided, multiple submitters, no conflicts (2 of 4 stars). 3 submissions from 3 submitters: Benign (1); Likely benign (2). Last evaluated 2024-07-22.

Conditions:
Hereditary cancer-predisposing syndrome. Also called: Tumor predisposition; Hereditary neoplastic syndrome; Hereditary Cancer Syndrome; Neoplastic Syndromes, Hereditary. Identifiers: Orphanet 140162, MedGen C0027672, MeSH D009386, MONDO:0015356.
Familial cancer of breast. Also called: Hereditary breast cancer; hereditary breast carcinoma; BREAST CANCER, FAMILIAL. Identifiers: Orphanet 227535, MedGen C0346153, MONDO:0016419, OMIM 114480. Disease mechanism: loss of function.

Submissions (3):

Myriad Genetics, Inc.
Classification: Benign for Familial cancer of breast. Last evaluated: 2024-07-22. Review status: criteria provided, single submitter. Criteria: Myriad Autosomal Dominant, Autosomal Recessive and X-Linked Classification Criteria (2023). Collection method: clinical testing. Allele origin: unknown.
Comment: This variant is considered benign. This variant is a silent/synonymous amino acid change and it is not expected to impact splicing.

Ambry Genetics
Classification: Likely benign for Hereditary cancer-predisposing syndrome. Last evaluated: 2024-06-02. Review status: criteria provided, single submitter. Criteria: Ambry Variant Classification Scheme 2023. Collection method: clinical testing. Allele origin: germline.

Labcorp Genetics (formerly Invitae), Labcorp
Classification: Likely benign for Familial cancer of breast. Last evaluated: 2022-06-09. Review status: criteria provided, single submitter. Criteria: Invitae Variant Classification Sherloc (09022015). Collection method: clinical testing. Allele origin: germline.

NM_000465.4(BARD1):c.456G>A (p.Lys152=)

Gene: BARD1 (BRCA1 associated RING domain 1; minus strand). Cytogenetic location: 2q35.
Variant type: single nucleotide variant.
Coding change: c.456G>A on transcript NM_000465.4 (MANE Select); coding-DNA position 456, G replaced by A.
Protein change: p.Lys152=; no amino-acid change (lysine 152 retained).
Molecular consequence: synonymous variant. On other transcripts: non-coding transcript variant (2), intron variant (3).
Genome position (GRCh38, 1-based): chr2:214,781,418, C>T on the plus strand (G>A on the coding strand, the complement: BARD1 is on the minus strand). VCF-style: chr2-214781418-C-T. GRCh37 (hg19) VCF-style: chr2-215646142-C-T.
Other names: c.456G>A (NM_000465.2); c.399G>A, p.Lys133= (NM_001282543.2); c.158+27994G>A (NM_001282548.2); c.215+15643G>A (NM_001282545.2); c.364+10879G>A (NM_001282549.2).
Identifiers: ClinVar variation 1672063 (VCV001672063.11), dbSNP rs2106112336, ClinGen allele CA431136140.
Genomic context (GRCh38, chr2:214,781,418, plus strand): 5'-ATCTTTTTTTATTGCAGGCTGGGTTTGCACTGAAGCTTTACTCACAACATATCTGACTTT[C>T]TTACTTCGAGGGCTAAACCACATTTTAATTGAATTCTTCTTGTTTCCTGCATCATTAAAC-3'
Protein context (NP_000456.2, residues 142-162): SIKMWFSPRS[Lys152=]KVRYVVSKAS